The following is an entry in ClinVar:

ClinVar aggregate classification (germline): Uncertain significance. Review status: criteria provided, single submitter (1 of 4 stars). 2 submissions from 2 submitters: Uncertain significance (1). 1 of the submissions does not count toward it. Last evaluated 2021-08-31.

Conditions:
MHC class II deficiency. Also called: BLS, TYPE II; Bare lymphocyte syndrome 2. Identifiers: Orphanet 572, MedGen C5447452, MONDO:0008855.

Allele frequency attached by ClinVar (database versions not stated): gnomAD exomes below 0.00001; ExAC 0.00001; gnomAD 0.00001; TOPMed 0.00002.
gnomAD v4.1: 2 of 1,614,070 alleles (0.00012%); highest among the groups gnomAD compares: African/African-American, 0.0027%; no homozygotes.

Submissions (2):

Labcorp Genetics (formerly Invitae), Labcorp
Classification: Uncertain significance for MHC class II deficiency. Last evaluated: 2021-08-31. Review status: criteria provided, single submitter. Criteria: Invitae Variant Classification Sherloc (09022015). Collection method: clinical testing. Allele origin: germline.
Comment: This sequence change replaces isoleucine with threonine at codon 253 of the CIITA protein (p.Ile253Thr). The isoleucine residue is weakly conserved and there is a moderate physicochemical difference between isoleucine and threonine. This variant is present in population databases (rs761152169, ExAC 0.01%). This variant has not been reported in the literature in individuals affected with CIITA-related conditions. Algorithms developed to predict the effect of missense changes on protein structure and function are either unavailable or do not agree on the potential impact of this missense change (SIFT: "Deleterious"; PolyPhen-2: "Possibly Damaging"; Align-GVGD: "Class C0"). In summary, the available evidence is currently insufficient to determine the role of this variant in disease. Therefore, it has been classified as a Variant of Uncertain Significance.

Natera, Inc.
Classification: Uncertain significance for Bare lymphocyte syndrome type II. Last evaluated: 2021-02-23. Review status: no assertion criteria provided. Collection method: clinical testing. Allele origin: germline. Not counted in ClinVar's aggregate classification.

NM_000246.4(CIITA):c.758T>C (p.Ile253Thr)

Gene: CIITA (class II major histocompatibility complex transactivator; plus strand). Cytogenetic location: 16p13.13.
Variant type: single nucleotide variant.
Coding change: c.758T>C on transcript NM_000246.4 (MANE Select); coding-DNA position 758, T replaced by C.
Protein change: p.Ile253Thr; replaces isoleucine 253 with threonine.
Molecular consequence: missense variant. On other transcripts: non-coding transcript variant (1).
Genome position (GRCh38, 1-based): chr16:10,902,787, T>C. VCF-style: chr16-10902787-T-C. GRCh37 (hg19) VCF-style: chr16-10996644-T-C.
Other names: c.761T>C, p.Ile254Thr (NM_001286402.1, NM_001379332.1); c.611T>C, p.Ile204Thr (NM_001286403.2, NM_001379331.1); c.614T>C, p.Ile205Thr (NM_001379330.1); c.758T>C, p.Ile253Thr (NM_001379333.1); c.689T>C, p.Ile230Thr (NM_001379334.1); short protein forms I204T, I205T, I230T, I253T, I254T.
Identifiers: ClinVar variation 1052198 (VCV001052198.10), dbSNP rs761152169, ClinGen allele CA7899879.